The following is an entry in ClinVar:

ClinVar aggregate classification (germline): Uncertain significance. Review status: criteria provided, multiple submitters, no conflicts (2 of 4 stars). 2 submissions from 2 submitters: Uncertain significance (2). Last evaluated 2025-11-16.

Conditions:
Dilated cardiomyopathy 1W (CMD1W). Identifiers: Orphanet 154, MedGen C1969639, MONDO:0012667, OMIM 611407.
Cardiovascular phenotype. Identifiers: MedGen CN230736.

Submissions (2):

Labcorp Genetics (formerly Invitae), Labcorp
Classification: Uncertain significance for Dilated cardiomyopathy 1W. Last evaluated: 2025-11-16. Review status: criteria provided, single submitter. Criteria: Invitae Variant Classification Sherloc (09022015). Collection method: clinical testing. Allele origin: germline.
Comment: This sequence change replaces methionine, which is neutral and non-polar, with valine, which is neutral and non-polar, at codon 797 of the VCL protein (p.Met797Val). Information on the frequency of this variant in the gnomAD database is not available, as this variant may be reported differently in the database. This variant has not been reported in the literature in individuals affected with VCL-related conditions. ClinVar contains an entry for this variant (Variation ID: 853873). Experimental studies and prediction algorithms are not available or were not evaluated, and the functional significance of this variant is currently unknown. In summary, the available evidence is currently insufficient to determine the role of this variant in disease. Therefore, it has been classified as a Variant of Uncertain Significance.

Ambry Genetics
Classification: Uncertain significance for Cardiovascular phenotype. Last evaluated: 2025-05-12. Review status: criteria provided, single submitter. Criteria: Ambry Variant Classification Scheme 2023. Collection method: clinical testing. Allele origin: germline.
Comment: The c.2388_2389delGAinsAG variant (also known as p.M797V), located in coding exon 16 of the VCL gene, results from an in-frame deletion of GA and insertion of AG at nucleotide positions 2388 to 2389. This results in the substitution of the methionine residue for a valine residue at codon 797, an amino acid with highly similar properties. This amino acid position is highly conserved in available vertebrate species. In addition, the in silico prediction for this alteration is inconclusive (Choi Y et al. PLoS ONE. 2012; 7(10):e46688). Based on the available evidence, the clinical significance of this variant remains unclear.

Literature cited by the submitters: PubMed 30847666 (cited by Ambry Genetics).

NM_014000.3(VCL):c.2388_2389delinsAG (p.Met797Val)

Gene: VCL (vinculin; plus strand). Cytogenetic location: 10q22.2.
Variant type: Indel.
Coding change: c.2388_2389delinsAG on transcript NM_014000.3 (MANE Select); coding-DNA positions 2388 to 2389, GA replaced by AG.
Protein change: p.Met797Val; replaces methionine 797 with valine.
Molecular consequence: missense variant.
Genome position (GRCh38, 1-based): chr10:74,105,307-74,105,308, GA replaced by AG. VCF-style: chr10-74105307-GA-AG. GRCh37 (hg19) VCF-style: chr10-75865065-GA-AG.
Other names: c.2388_2389delinsAG, p.Met797Val (NM_003373.4); c.2388_2389delGAinsAG (NM_014000.2); short protein forms M797V.
Identifiers: ClinVar variation 853873 (VCV000853873.9), dbSNP rs1840114333, ClinGen allele CA916081588.